The following is an entry in ClinVar:

ClinVar aggregate classification (germline): Conflicting classifications of pathogenicity. Review status: criteria provided, conflicting classifications (1 of 4 stars). 6 submissions from 5 submitters: Uncertain significance (3); Benign (1); Likely benign (1). 1 of the submissions does not count toward it. Last evaluated 2026-01-26.

Conditions:
Mitochondrial complex I deficiency, nuclear type 1. Also called: NADH-COENZYME Q REDUCTASE DEFICIENCY; MITOCHONDRIAL NADH DEHYDROGENASE COMPONENT OF COMPLEX I, DEFICIENCY OF. Identifiers: MedGen C6022305, MONDO:0100224, OMIM 252010.
NDUFS1-related disorder. Also called: NDUFS1-related condition.
Leigh syndrome (NULS). Also called: Subacute necrotizing encephalopathy; Necrotizing encephalopathy infantile subacute of Leigh; Leigh Disease; LEIGH SYNDROME, NUCLEAR; Leigh's syndrome; Leigh Syndrome (mtDNA deletion). Identifiers: Orphanet 506, MedGen C2931891, MONDO:0009723, OMIM 256000.

Allele frequency attached by ClinVar (database versions not stated): gnomAD exomes 0.00057; ExAC 0.00065; ESP Exome Variant Server 0.00146; gnomAD 0.00172 and 0.00162; 1000 Genomes Project 30x 0.00250; 1000 Genomes Project 0.00260; TOPMed 0.00159.
gnomAD v4.1: 596 of 1,614,132 alleles (0.037%); highest among the groups gnomAD compares: African/African-American, 0.51%; 4 homozygotes.

Submissions (6):

Labcorp Genetics (formerly Invitae), Labcorp
Classification: Likely benign. Last evaluated: 2026-01-26. Review status: criteria provided, single submitter. Criteria: Invitae Variant Classification Sherloc (09022015). Collection method: clinical testing. Allele origin: germline.

Blueprint Genetics
Classification: Uncertain significance. Last evaluated: 2024-10-01. Review status: criteria provided, single submitter. Criteria: ACMG Guidelines, 2015. Collection method: clinical testing. Allele origin: germline.

Illumina Laboratory Services, Illumina
Classification: Uncertain significance for Leigh syndrome. Last evaluated: 2018-01-13. Review status: criteria provided, single submitter. Criteria: ICSL Variant Classification Criteria 13 December 2019. Collection method: clinical testing. Allele origin: germline.

Illumina Laboratory Services, Illumina
Classification: Uncertain significance for Mitochondrial complex I deficiency, nuclear type 1. Last evaluated: 2018-01-13. Review status: criteria provided, single submitter. Criteria: ICSL Variant Classification Criteria 13 December 2019. Collection method: clinical testing. Allele origin: germline.

GeneDx
Classification: Benign. Last evaluated: 2015-09-25. Review status: criteria provided, single submitter. Criteria: GeneDx Variant Classification (06012015). Collection method: clinical testing. Allele origin: germline. Affected: yes.
Comment: This variant is considered likely benign or benign based on one or more of the following criteria: it is a conservative change, it occurs at a poorly conserved position in the protein, it is predicted to be benign by multiple in silico algorithms, and/or has population frequency not consistent with disease.

PreventionGenetics, part of Exact Sciences
Classification: Likely benign for NDUFS1-related condition. Last evaluated: 2020-11-23. Review status: no assertion criteria provided. Collection method: clinical testing. Allele origin: germline. Not counted in ClinVar's aggregate classification.
Comment: This variant is classified as likely benign based on ACMG/AMP sequence variant interpretation guidelines (Richards et al. 2015 PMID: 25741868, with internal and published modifications).

NM_005006.7(NDUFS1):c.611T>C (p.Met204Thr)

Gene: NDUFS1 (NADH:ubiquinone oxidoreductase core subunit S1; minus strand). Cytogenetic location: 2q33.3.
Variant type: single nucleotide variant.
Coding change: c.611T>C on transcript NM_005006.7 (MANE Select); coding-DNA position 611, T replaced by C.
Protein change: p.Met204Thr; replaces methionine 204 with threonine.
Molecular consequence: missense variant.
Genome position (GRCh38, 1-based): chr2:206,147,029, A>G on the plus strand (T>C on the coding strand, the complement: NDUFS1 is on the minus strand). VCF-style: chr2-206147029-A-G. GRCh37 (hg19) VCF-style: chr2-207011753-A-G.
Other names: c.503T>C, p.Met168Thr (NM_001199981.2); c.278T>C, p.Met93Thr (NM_001199982.2); c.440T>C, p.Met147Thr (NM_001199983.2); c.653T>C, p.Met218Thr (NM_001199984.2); short protein forms M204T, M93T, M147T, M218T, M168T.
Identifiers: ClinVar variation 378251 (VCV000378251.15), dbSNP rs148544177, ClinGen allele CA2070717.